The following is an entry in ClinVar:

ClinVar aggregate classification (germline): Uncertain significance. Review status: criteria provided, multiple submitters, no conflicts (2 of 4 stars). 2 submissions from 2 submitters: Uncertain significance (2). Last evaluated 2024-11-11.

Conditions:
Ciliary dyskinesia, primary, 37 (CILD37). Also called: CILIARY DYSKINESIA, PRIMARY, 37, WITH OR WITHOUT SITUS INVERSUS. Identifiers: MedGen C4539798, MONDO:0033204, OMIM 617577.
Spermatogenic failure 18. Identifiers: MedGen C4539783, MONDO:0054615, OMIM 617576.

gnomAD v4.1: 49 of 1,613,766 alleles (0.003%); highest among the groups gnomAD compares: African/African-American, 0.012%; no homozygotes.

Submissions (2):

Labcorp Genetics (formerly Invitae), Labcorp
Classification: Uncertain significance for Ciliary dyskinesia, primary, 37; Spermatogenic failure 18. Last evaluated: 2024-11-11. Review status: criteria provided, single submitter. Criteria: Invitae Variant Classification Sherloc (09022015). Collection method: clinical testing. Allele origin: germline.
Comment: This sequence change replaces arginine, which is basic and polar, with histidine, which is basic and polar, at codon 1266 of the DNAH1 protein (p.Arg1266His). This variant is present in population databases (rs368357694, gnomAD 0.03%). This variant has not been reported in the literature in individuals affected with DNAH1-related conditions. Invitae Evidence Modeling of protein sequence and biophysical properties (such as structural, functional, and spatial information, amino acid conservation, physicochemical variation, residue mobility, and thermodynamic stability) indicates that this missense variant is not expected to disrupt DNAH1 protein function with a negative predictive value of 80%. In summary, the available evidence is currently insufficient to determine the role of this variant in disease. Therefore, it has been classified as a Variant of Uncertain Significance.

Ambry Genetics
Classification: Uncertain significance. Last evaluated: 2024-04-12. Review status: criteria provided, single submitter. Criteria: Ambry Variant Classification Scheme 2023. Collection method: clinical testing. Allele origin: germline.

NM_015512.5(DNAH1):c.3797G>A (p.Arg1266His)

Gene: DNAH1 (dynein axonemal heavy chain 1; plus strand). Cytogenetic location: 3p21.1.
Variant type: single nucleotide variant.
Coding change: c.3797G>A on transcript NM_015512.5 (MANE Select); coding-DNA position 3797, G replaced by A.
Protein change: p.Arg1266His; replaces arginine 1266 with histidine.
Molecular consequence: missense variant.
Genome position (GRCh38, 1-based): chr3:52,356,717, G>A. VCF-style: chr3-52356717-G-A. GRCh37 (hg19) VCF-style: chr3-52390733-G-A.
Other names: short protein forms R1266H.
Identifiers: ClinVar variation 3272538 (VCV003272538.2).